The following is an entry in ClinVar:

NM_025114.4(CEP290):c.7304_7308del (p.Val2435fs)

Genes: CEP290 (centrosomal protein 290; minus strand), RLIG1 (RNA 5'-phosphate and 3'-OH ligase 1; plus strand). Cytogenetic location: 12q21.32.
Variant type: Deletion.
Coding change: c.7304_7308del on transcript NM_025114.4 (MANE Select); coding-DNA positions 7304 to 7308, 5 bases deleted (TGAAG; older notation c.7304_7308delTGAAG).
Protein change: p.Val2435fs; shifts the reading frame from valine 2435.
Molecular consequence: frameshift variant. On other transcripts: 3 prime UTR variant (1).
Genome position (GRCh38, 1-based): chr12:88,049,316-88,049,320, CTTCA deleted on the plus strand (TGAAG on the coding strand, the reverse complement: CEP290 is on the minus strand); deleting any 5 consecutive bases within chr12:88,049,316-88,049,324 gives the same sequence; the c. name uses the placement nearest the transcript's 3' end. VCF-style (leftmost placement, unchanged base first): chr12-88049315-TCTTCA-T. GRCh37 (hg19) VCF-style: chr12-88443092-TCTTCA-T.
Other names: c.*898_*902del (NM_001009894.3); short protein forms V2435fs.
Identifiers: ClinVar variation 5004099 (VCV005004099.1).

ClinVar aggregate classification (germline): Pathogenic (1 of 4 stars; one submission).

Conditions:
CEP290-related ciliopathy. Also called: CEP290 ciliopathy. Identifiers: MedGen CN305601, MONDO:0100451.

Submission:

Myriad Genetics, Inc.
Classification: Pathogenic for CEP290-related ciliopathy. Last evaluated: 2025-09-03. Review status: criteria provided, single submitter. Criteria: Myriad Autosomal Dominant, Autosomal Recessive and X-Linked Classification Criteria (2023). Collection method: clinical testing. Allele origin: unknown.
Comment: NM_025114.3(CEP290):c.7304_7308del5(V2435Efs*19) is a frameshift variant classified as pathogenic in the context of CEP290-related disorders. V2435Efs*19 has not been observed in cases with relevant disease. Relevant functional assessments of this variant are not available in the literature. V2435Efs*19 has not been observed in referenced population frequency databases. In summary, NM_025114.3(CEP290):c.7304_7308del5(V2435Efs*19) is a frameshift variant in a gene where loss of function is a known mechanism of disease and is predicted to disrupt protein function. Please note: this variant was assessed in the context of healthy population screening.